The following is an entry in ClinVar:

ClinVar aggregate classification (germline): Pathogenic (1 of 4 stars; one submission).

Conditions:
Familial cancer of breast. Also called: Hereditary breast cancer; hereditary breast carcinoma; BREAST CANCER, FAMILIAL. Identifiers: Orphanet 227535, MedGen C0346153, MONDO:0016419, OMIM 114480. Disease mechanism: loss of function.

Submission:

Human Genome Sequencing Center Clinical Lab, Baylor College of Medicine
Classification: Pathogenic for Familial cancer of breast. Last evaluated: 2017-05-25. Review status: criteria provided, single submitter. Criteria: ACMG Guidelines, 2015. Collection method: clinical testing. Allele origin: germline.
Comment: This c.1100delC (p.Thr367Metfs*15) variant in the CHEK2 gene has previously been reported in multiple publications [PMID 10617473, 23415889, 21876083, 22520019, 20722467, 21244692, 11719428, 19030985, 23329222, 11967536, 22994785, 22058428, 18759107, 23409019, 22691310, 25980754, 23109706, 24723567, 21956126, 15492928, 22006311, 22058216, 25583358, 22811390]. This variant leads to a frameshift that has been reported to produce a truncated CHEK2 protein and abrogate the kinase activity [PMID 11719428]. A 5 fold higher frequency of the c.1100delC (p.Thr367Metfs*15) has been observed in patients with breast cancer; a 13 fold higher frequency of this variant has been observed in the males with breast cancer who do not carry pathogenic variants in the BRCA1 or BRCA2 genes [PMID 11967536]. This investigation indicates that in the noncarriers of BRCA1 or BRCA2 pathogenic variants, the c.1100delC (p.Thr367Metfs*15) results in an approximately two fold increase of breast cancer risk in women and a ten fold increase of risk in men, but confers no increase of risk of breast cancer in the carriers of BRCA1 or BRCA2 pathogenic variants [PMID: 11967536]. The c.1100delC (p.Thr367Metfs*15) pathogenic variant has also been reported in patients with multiple cancers, including colon cancer [PMID: 15492928]. This variant was reported in 215 heterozygous individuals in ExAC. It is thus classified as a pathogenic variant.

NM_007194.4(CHEK2):c.971del (p.Cys324fs)

Gene: CHEK2 (checkpoint kinase 2; minus strand). Cytogenetic location: 22q12.1.
Variant type: Deletion.
Coding change: c.971del on transcript NM_007194.4 (MANE Select); coding-DNA position 971, one base deleted (G; older notation c.971delG).
Protein change: p.Cys324fs; shifts the reading frame from cysteine 324.
Molecular consequence: frameshift variant.
Genome position (GRCh38, 1-based): chr22:28,699,875, C deleted on the plus strand (G on the coding strand, the reverse complement: CHEK2 is on the minus strand). VCF-style (leftmost placement, unchanged base first): chr22-28699874-GC-G. GRCh37 (hg19) VCF-style: chr22-29095862-GC-G.
Other names: c.1100delG, p.Cys367Serfs (NM_001005735.3); c.308delG, p.Cys103Serfs (NM_001257387.3); c.770delG, p.Cys257Serfs (NM_001349956.3); c.971delG, p.Cys324Serfs (NM_145862.3); short protein forms C103fs, C324fs, C257fs, C367fs.
Identifiers: ClinVar variation 585213 (VCV000585213.2), dbSNP rs1569121172, ClinGen allele CA891844293.